The following is an entry in ClinVar:

ClinVar aggregate classification (germline): Likely benign (1 of 4 stars; one submission).

Conditions:
PRKD1-related disorder. Also called: PRKD1-related condition.

gnomAD v4.1: 31 of 1,613,254 alleles (0.0019%); highest among the groups gnomAD compares: East Asian, 0.065%; no homozygotes.

Submission:

PreventionGenetics, part of Exact Sciences
Classification: Likely benign for PRKD1-related condition. Last evaluated: 2025-05-04. Review status: criteria provided, single submitter. Criteria: ACMG Guidelines, 2015. Collection method: clinical testing. Allele origin: germline.
Comment: This variant is classified as likely benign based on ACMG/AMP sequence variant interpretation guidelines (Richards et al. 2015 PMID: 25741868, with internal and published modifications).

NM_002742.3(PRKD1):c.1432A>C (p.Lys478Gln)

Gene: PRKD1 (protein kinase D1; minus strand). Cytogenetic location: 14q12.
Variant type: single nucleotide variant.
Coding change: c.1432A>C on transcript NM_002742.3 (MANE Select); coding-DNA position 1432, A replaced by C.
Protein change: p.Lys478Gln; replaces lysine 478 with glutamine.
Molecular consequence: missense variant.
Genome position (GRCh38, 1-based): chr14:29,630,982, T>G on the plus strand (A>C on the coding strand, the complement: PRKD1 is on the minus strand). VCF-style: chr14-29630982-T-G. GRCh37 (hg19) VCF-style: chr14-30100188-T-G.
Other names: c.1456A>C, p.Lys486Gln (NM_001330069.2); c.1168A>C, p.Lys390Gln (NM_001348390.1); short protein forms K390Q, K478Q, K486Q.
Identifiers: ClinVar variation 4978712 (VCV004978712.1).
Genomic context (GRCh38, chr14:29,630,982, plus strand): 5'-TTGCCGTAGTGATTTCGAAACAATGAGGATTGGCCCCATTAGGAATTAAAGCTGAAGTTT[T>G]TACTGGTTCCAGAGACAAAATTTCAGATAAAGGAATTTCCTGTGAAAGAAAAAAAGTACT-3'
Protein context (NP_002733.2, residues 468-488): LSEILSLEPV[Lys478Gln]TSALIPNGAN